The following is an entry in ClinVar:

NM_001378183.1(PIEZO2):c.8395C>G (p.Arg2799Gly)

Gene: PIEZO2 (piezo type mechanosensitive ion channel component 2; minus strand). Cytogenetic location: 18p11.22.
Variant type: single nucleotide variant.
Coding change: c.8395C>G on transcript NM_001378183.1 (MANE Select); coding-DNA position 8395, C replaced by G.
Protein change: p.Arg2799Gly; replaces arginine 2799 with glycine.
Molecular consequence: missense variant.
Genome position (GRCh38, 1-based): chr18:10,671,730, G>C on the plus strand (C>G on the coding strand, the complement: PIEZO2 is on the minus strand). VCF-style: chr18-10671730-G-C. GRCh37 (hg19) VCF-style: chr18-10671727-G-C.
Other names: c.8056C>G, p.Arg2686Gly (NM_022068.4); short protein forms R2686G, R2799G.
Identifiers: ClinVar variation 973945 (VCV000973945.9), dbSNP rs587777451, ClinGen allele CA401912160.
Genomic context (GRCh38, chr18:10,671,730, plus strand): 5'-GATCCACATTTGGAAGCTCTTCAAACATGATGGAGTGAGAAATCCCACTGAAGAATTCAC[G>C]GACAAATTTCCCAATCACAAGGACAACTGAAGCATATAATCCCATAATACTGAAAAAAAC-3'
Protein context (NP_001365112.1, residues 2789-2809): SVVLVIGKFV[Arg2799Gly]EFFSGISHSI

ClinVar aggregate classification (germline): Pathogenic/Likely pathogenic. Review status: criteria provided, multiple submitters, no conflicts (2 of 4 stars). 3 submissions from 3 submitters: Pathogenic (1); Likely pathogenic (2). Last evaluated 2022-12-09.

Conditions:
Gordon syndrome (DA3). Also called: ARTHROGRYPOSIS MULTIPLEX CONGENITA, DISTAL, TYPE IIA; CAMPTODACTYLY, CLEFT PALATE, AND CLUBFOOT; Gordon's syndrome. Identifiers: Orphanet 376, MedGen C0220666, MONDO:0007252, OMIM 114300.
Marden-Walker syndrome (MWKS). Also called: Connective tissue disorder Marden Walker type. Identifiers: Orphanet 2461, MedGen C0796033, MONDO:0009564, OMIM 248700.
Arthrogryposis- oculomotor limitation-electroretinal anomalies syndrome. Also called: ARTHROGRYPOSIS, DISTAL, TYPE 5; ARTHROGRYPOSIS WITH OCULOMOTOR LIMITATION AND ELECTRORETINAL ABNORMALITIES; ARTHROGRYPOSIS, DISTAL, TYPE IIB. Identifiers: Orphanet 1154, MedGen C1862472, MONDO:0007158, OMIM 108145.
Arthrogryposis, distal, with impaired proprioception and touch (DAIPT). Identifiers: MedGen C4310692, MONDO:0014941, OMIM 617146.

Submissions (3):

Labcorp Genetics (formerly Invitae), Labcorp
Classification: Pathogenic. Last evaluated: 2022-12-09. Review status: criteria provided, single submitter. Criteria: Invitae Variant Classification Sherloc (09022015). Collection method: clinical testing. Allele origin: germline.
Comment: This missense change has been observed in individual(s) with PIEZO2-related conditions (Invitae). In at least one individual the variant was observed to be de novo. This sequence change replaces arginine, which is basic and polar, with glycine, which is neutral and non-polar, at codon 2686 of the PIEZO2 protein (p.Arg2686Gly). This variant is not present in population databases (gnomAD no frequency). ClinVar contains an entry for this variant (Variation ID: 973945). Advanced modeling of protein sequence and biophysical properties (such as structural, functional, and spatial information, amino acid conservation, physicochemical variation, residue mobility, and thermodynamic stability) performed at Invitae indicates that this missense variant is expected to disrupt PIEZO2 protein function. This variant disrupts the p.Arg2686 amino acid residue in PIEZO2. Other variant(s) that disrupt this residue have been determined to be pathogenic (PMID: 24726473, 31680123, 32901917). This suggests that this residue is clinically significant, and that variants that disrupt this residue are likely to be disease-causing. For these reasons, this variant has been classified as Pathogenic.

Baylor-Hopkins Center for Mendelian Genomics, Johns Hopkins University School of Medicine
Classification: Likely pathogenic for Arthrogryposis- oculomotor limitation-electroretinal anomalies syndrome. Review status: criteria provided, single submitter. Criteria: ACMG Guidelines, 2015. Collection method: research. Allele origin: somatic. Inheritance: Autosomal dominant inheritance. Affected: yes. Observed: 2 variant alleles, 2 heterozygotes.

Juno Genomics, Hangzhou Juno Genomics, Inc
Classification: Likely pathogenic for Marden-Walker syndrome; Gordon syndrome; Arthrogryposis- oculomotor limitation-electroretinal anomalies syndrome; Arthrogryposis, distal, with impaired proprioception and touch. Review status: criteria provided, single submitter. Criteria: ACMG Guidelines, 2015. Collection method: clinical testing. Allele origin: germline. Affected: yes.
Comment: Absent from controls (or at extremely low frequency if recessive) in Genome Aggregation Database, Exome Sequencing Project, 1000 Genomes Project, or Exome Aggregation Consortium.;Multiple lines of computational evidence support a deleterious effect on the gene or gene product (conservation, evolutionary, splicing impact, etc).;Assumed de novo, but without confirmation of paternity and maternity.;Novel missense change at an amino acid residue where a different missense change determined to be pathogenic has been seen before.

Literature cited by the submitters: PubMed 24726473 (cited by Labcorp Genetics (formerly Invitae), Labcorp); PubMed 31680123 (cited by Labcorp Genetics (formerly Invitae), Labcorp); PubMed 32901917 (cited by Labcorp Genetics (formerly Invitae), Labcorp).